The following is an entry in ClinVar:

NM_000083.3(CLCN1):c.399G>C (p.Trp133Cys)

Gene: CLCN1 (chloride voltage-gated channel 1; plus strand). Cytogenetic location: 7q34.
Variant type: single nucleotide variant.
Coding change: c.399G>C on transcript NM_000083.3 (MANE Select); coding-DNA position 399, G replaced by C.
Protein change: p.Trp133Cys; replaces tryptophan 133 with cysteine.
Molecular consequence: missense variant. On other transcripts: non-coding transcript variant (1).
Genome position (GRCh38, 1-based): chr7:143,320,761, G>C. VCF-style: chr7-143320761-G-C. GRCh37 (hg19) VCF-style: chr7-143017854-G-C.
Other names: short protein forms W133C.
Identifiers: ClinVar variation 2505484 (VCV002505484.2), dbSNP rs2487029790, ClinGen allele CA369682593.

ClinVar aggregate classification (germline): Uncertain significance. Review status: criteria provided, multiple submitters, no conflicts (2 of 4 stars). 2 submissions from 2 submitters: Uncertain significance (2). Last evaluated 2025-11-15.

Conditions:
Congenital myotonia, autosomal dominant form (THD). Also called: THOMSEN DISEASE; Myotonia congenita autosomal dominant. Identifiers: Orphanet 614, MedGen C2936781, MONDO:0008055, OMIM 160800.
Congenital myotonia, autosomal recessive form. Also called: Becker Generalized Myotonia; myotonia congenita, autosomal recessive; BECKER DISEASE. Identifiers: Orphanet 614, MedGen C0751360, MONDO:0009715, OMIM 255700.

Submissions (2):

Labcorp Genetics (formerly Invitae), Labcorp
Classification: Uncertain significance for Congenital myotonia, autosomal recessive form; Congenital myotonia, autosomal dominant form. Last evaluated: 2025-11-15. Review status: criteria provided, single submitter. Criteria: Invitae Variant Classification Sherloc (09022015). Collection method: clinical testing. Allele origin: germline.
Comment: This sequence change replaces tryptophan, which is neutral and slightly polar, with cysteine, which is neutral and slightly polar, at codon 133 of the CLCN1 protein (p.Trp133Cys). This variant is not present in population databases (gnomAD no frequency). This variant has not been reported in the literature in individuals affected with CLCN1-related conditions. ClinVar contains an entry for this variant (Variation ID: 2505484). Invitae Evidence Modeling of protein sequence and biophysical properties (such as structural, functional, and spatial information, amino acid conservation, physicochemical variation, residue mobility, and thermodynamic stability) indicates that this missense variant is expected to disrupt CLCN1 protein function with a positive predictive value of 95%. In summary, the available evidence is currently insufficient to determine the role of this variant in disease. Therefore, it has been classified as a Variant of Uncertain Significance.

Center for Human Genetics and Genomic Medicine, Uniklinik Rwth Aachen
Classification: Uncertain significance for Congenital myotonia, autosomal dominant form. Last evaluated: 2023-05-17. Review status: criteria provided, single submitter. Criteria: ACMG Guidelines, 2015. Collection method: clinical testing. Allele origin: unknown. Affected: yes.
Comment: To date, this variant is not listed in population databases (gnomAD v2.1.1) and has not been reported in the literature in individuals with CLCN1-associated disorders. In silico predictions suggest that this variant may impact protein function (SIFT (v6.2.0): "Deleterious"; PolyPhen-2: "Probably Damaging"; Align-GVGD (v2007): "Class C56"; MutationTaster (v2021): "Deleterious"). Based on insufficient evidence, the clinical significance of this alteration remains unclear.